The following is an entry in ClinVar:

ClinVar aggregate classification (germline): Pathogenic/Likely pathogenic. Review status: criteria provided, multiple submitters, no conflicts (2 of 4 stars). 11 submissions from 11 submitters: Pathogenic (2); Likely pathogenic (8). 1 of the submissions does not count toward it. Last evaluated 2026-07-07.

Conditions:
Autosomal recessive Alport syndrome (ATS2). Also called: COL4A3-Related Nephropathy; COL4A4 Alport Syndrome and Thin Basement Membrane Nephropathy; ALPORT SYNDROME 2, AUTOSOMAL RECESSIVE; Alport syndrome type 2. Identifiers: Orphanet 63, Orphanet 88919, MedGen C4746745, MONDO:0008762, OMIM 203780.
Hematuria, benign familial, 1 (BFH1). Also called: THIN MEMBRANE NEPHROPATHY. Identifiers: MedGen CN376803, MONDO:0007709, OMIM 141200.
Benign familial hematuria. Also called: thin basement membrane disease. Identifiers: MedGen C0241908, MONDO:0957317.
Autosomal dominant Alport syndrome (ATS3A). Also called: Alport syndrome dominant type; Renal failure and sensorineural hearing loss; ALPORT SYNDROME 3A, AUTOSOMAL DOMINANT. Identifiers: Orphanet 63, Orphanet 88918, MedGen C5882663, MONDO:0007086, OMIM 104200.
COL4A4-related disorder.
Inborn genetic diseases. Identifiers: MedGen C0950123, MeSH D030342.
Alport syndrome. Also called: Hemorrhagic familial nephritis; Hemorrhagic hereditary nephritis; Congenital hereditary hematuria. Identifiers: Orphanet 63, MedGen C1567741, MONDO:0018965.

Allele frequency attached by ClinVar (database versions not stated): gnomAD exomes below 0.00001; TOPMed below 0.00001; gnomAD 0.00001 and 0.00002.
gnomAD v4.1: 8 of 1,613,644 alleles (0.0005%); highest among the groups gnomAD compares: East Asian, 0.0045%; no homozygotes.

Submissions (11):

Medgenome Labs Ltd
Classification: Likely pathogenic for Autosomal recessive Alport syndrome. Last evaluated: 2026-07-07. Review status: criteria provided, single submitter. Criteria: ACMG Guidelines, 2015. Collection method: clinical testing. Allele origin: germline. Affected: yes.

Labcorp Genetics (formerly Invitae), Labcorp
Classification: Pathogenic. Last evaluated: 2026-01-27. Review status: criteria provided, single submitter. Criteria: Invitae Variant Classification Sherloc (09022015). Collection method: clinical testing. Allele origin: germline.
Comment: This sequence change affects codon 245 of the COL4A4 mRNA. It is a 'silent' change, meaning that it does not change the encoded amino acid sequence of the COL4A4 protein. This variant also falls at the last nucleotide of exon 12, which is part of the consensus splice site for this exon. This variant is present in population databases (no rsID available, gnomAD 0.005%). This variant has been observed in individuals with clinical features of Alport syndrome (PMID: 31934206; internal data). It has also been observed to segregate with disease in related individuals. ClinVar contains an entry for this variant (Variation ID: 599163). Variants that disrupt the consensus splice site are a relatively common cause of aberrant splicing (PMID: 17576681, 9536098). Algorithms developed to predict the effect of sequence changes on RNA splicing suggest that this variant may disrupt the consensus splice site. For these reasons, this variant has been classified as Pathogenic.

3billion
Classification: Likely pathogenic for Autosomal recessive Alport syndrome. Last evaluated: 2025-11-18. Review status: criteria provided, single submitter. Criteria: ACMG Guidelines, 2015. Collection method: clinical testing. Allele origin: germline. Affected: yes.
Comment: The variant is observed at an extremely low frequency in the gnomAD v4.1.0 dataset (total allele frequency: <0.001%). Predicted Consequence/Location: Synonymous variant In silico tools predict the variant to alter splicing and produce an abnormal transcript [SpliceAI: 0.86 (>=0.2, moderate evidence for spliceogenicity)]. The variant has been reported at least twice as pathogenic with clinical assertions and evidence for the classification (ClinVar ID: VCV000599163). Therefore, this variant is classified as Likely pathogenic according to the recommendation of ACMG/AMP guideline.

Ambry Genetics
Classification: Likely pathogenic for Inborn genetic diseases. Last evaluated: 2025-05-27. Review status: criteria provided, single submitter. Criteria: Ambry Variant Classification Scheme 2023. Collection method: clinical testing. Allele origin: germline.
Comment: The c.735G>A (p.P245P) alteration is located in exon 12 (coding exon 11) of the COL4A4 gene. This alteration consists of a G to A substitution at nucleotide position 735. This nucleotide substitution does not change the amino acid at codon 245. However, this change occurs in the last nucleotide of exon 12 which makes it likely to have some effect on normal mRNA splicing. Based on data from gnomAD, the A allele has an overall frequency of 0.001% (2/280896) total alleles studied. The highest observed frequency was 0.005% (1/19534) of East Asian alleles. This variant has been identified in the homozygous state and/or in conjunction with other COL4A4 variants in individuals with features consistent with Alport syndrome; in at least one instance, the variants were identified in trans (Isik, 2019; Sun, 2019; Zhang, 2021). This variant was reported as single heterozygous in individual(s) with features consistent with Alport syndrome (external communication). This nucleotide position is highly conserved in available vertebrate species. RNA studies have demonstrated that this alteration results in abnormal splicing in the set of samples tested (Rossanti, 2022). In silico splice site analysis predicts that this alteration will weaken the native splice donor site. Based on the available evidence, this alteration is classified as likely pathogenic.

Centre for Clinical Genetics and Genomic Diagnostics, Zealand University Hospital
Classification: Likely pathogenic. Last evaluated: 2025-04-29. Review status: criteria provided, single submitter. Criteria: ACMG Guidelines, 2015. Collection method: clinical testing. Allele origin: germline. Affected: yes.

Natera, Inc.
Classification: Likely pathogenic for Alport syndrome. Last evaluated: 2024-08-09. Review status: criteria provided, single submitter. Criteria: Natera Variant Classification Schema (03/2026). Collection method: clinical testing. Allele origin: germline.
Comment: The c.735G>A variant in COL4A4 is a synonymous variant that does not alter the encoded amino acid at position 245 (p.P245=). This variant is rare in the general population with a frequency below the threshold expected for the associated phenotype(s). This variant has been observed in one or more individuals affected with the associated recessive disease, as either homozygous or compound heterozygous with a second variant (PMID: 38178635, 31319225, 31934206). Functional studies show that this variant may disrupt protein function (PMID: 35582193). Computational prediction algorithms indicate this variant is likely to affect gene or protein function. Given the available evidence, this variant is classified as Likely Pathogenic.

Blueprint Genetics
Classification: Pathogenic for COL4A4-related disorders. Last evaluated: 2024-08-07. Review status: criteria provided, single submitter. Criteria: ACMG Guidelines, 2015. Collection method: clinical testing. Allele origin: germline. Affected: yes. Observed: 2 variant alleles.

Fulgent Genetics
Classification: Likely pathogenic for Hematuria, benign familial, 1; Autosomal recessive Alport syndrome. Last evaluated: 2024-01-05. Review status: criteria provided, single submitter. Criteria: ACMG Guidelines, 2015. Collection method: clinical testing. Allele origin: germline.

Mendelics
Classification: Likely pathogenic for Hematuria, benign familial, 1. Last evaluated: 2022-05-04. Review status: criteria provided, single submitter. Criteria: Mendelics Assertion Criteria 2019. Collection method: clinical testing. Allele origin: germline.

Clinical Genetics Service, Universitary Hospital 12 de Octubre
Classification: Likely pathogenic for Hematuria, benign familial, 1. Review status: criteria provided, single submitter. Criteria: ACMG Guidelines, 2015. Collection method: clinical testing. Allele origin: germline. Affected: yes.

Bioscientia Institut fuer Medizinische Diagnostik GmbH, Sonic Healthcare
Classification: Uncertain significance for Autosomal dominant Alport syndrome. Last evaluated: 2018-08-29. Review status: no assertion criteria provided. Collection method: clinical testing. Allele origin: germline. Affected: yes. Not counted in ClinVar's aggregate classification.

Literature cited by the submitters: PubMed 31934206 (cited by 3 submitters); PubMed 17576681 (cited by Labcorp Genetics (formerly Invitae), Labcorp); PubMed 9536098 (cited by Labcorp Genetics (formerly Invitae), Labcorp); PubMed 24854265 (cited by Ambry Genetics); PubMed 30968591 (cited by Ambry Genetics); PubMed 31319225 (cited by Ambry Genetics and Natera, Inc.); PubMed 33532864 (cited by Ambry Genetics); PubMed 33772369 (cited by Ambry Genetics); PubMed 35582193 (cited by Ambry Genetics and Natera, Inc.); PubMed 38178635 (cited by Natera, Inc.).

NM_000092.5(COL4A4):c.735G>A (p.Pro245=)

Gene: COL4A4 (collagen type IV alpha 4 chain; minus strand). Cytogenetic location: 2q36.3.
Variant type: single nucleotide variant.
Coding change: c.735G>A on transcript NM_000092.5 (MANE Select); coding-DNA position 735, G replaced by A.
Protein change: p.Pro245=; no amino-acid change (proline 245 retained).
Molecular consequence: synonymous variant.
Genome position (GRCh38, 1-based): chr2:227,108,581, C>T on the plus strand (G>A on the coding strand, the complement: COL4A4 is on the minus strand). VCF-style: chr2-227108581-C-T. GRCh37 (hg19) VCF-style: chr2-227973297-C-T.
Identifiers: ClinVar variation 599163 (VCV000599163.17), dbSNP rs923865420, ClinGen allele CA66568696.